The following is an entry in ClinVar:

NM_198252.3(GSN):c.657G>A (p.Met219Ile)

Gene: GSN (gelsolin; plus strand). Cytogenetic location: 9q33.2.
Variant type: single nucleotide variant.
Coding change: c.657G>A on transcript NM_198252.3 (MANE Select); coding-DNA position 657, G replaced by A.
Protein change: p.Met219Ile; replaces methionine 219 with isoleucine.
Molecular consequence: missense variant. On other transcripts: initiator codon variant (1).
Genome position (GRCh38, 1-based): chr9:121,312,482, G>A. VCF-style: chr9-121312482-G-A. GRCh37 (hg19) VCF-style: chr9-124074760-G-A.
Other names: c.810G>A, p.Met270Ile (NM_000177.5); c.657G>A, p.Met219Ile (NM_001127662.2, NM_001127664.2, NM_001127665.2 and 10 more transcripts); c.765G>A, p.Met255Ile (NM_001127663.2); c.690G>A, p.Met230Ile (NM_001127666.2, NM_001127667.2, NM_001353063.2 and 13 more transcripts); c.708G>A, p.Met236Ile (NM_001258029.2); c.681G>A, p.Met227Ile (NM_001258030.2); c.3G>A, p.Met1Ile (NM_001353078.2); c.729G>A, p.Met243Ile (NM_001353076.2); short protein forms M1I, M219I, M227I, M230I, M236I, M243I, M255I, M270I.
Identifiers: ClinVar variation 3604740 (VCV003604740.2).

ClinVar aggregate classification (germline): Uncertain significance (1 of 4 stars; one submission).

gnomAD v4.1: 9 of 1,611,008 alleles (0.00056%); highest among the groups gnomAD compares: Non-Finnish European, 0.00076%; no homozygotes.

Submission:

Labcorp Genetics (formerly Invitae), Labcorp
Classification: Uncertain significance. Last evaluated: 2025-12-02. Review status: criteria provided, single submitter. Criteria: Invitae Variant Classification Sherloc (09022015). Collection method: clinical testing. Allele origin: germline.
Comment: This sequence change replaces methionine, which is neutral and non-polar, with isoleucine, which is neutral and non-polar, at codon 270 of the GSN protein (p.Met270Ile). This variant is present in population databases (no rsID available, gnomAD 0.002%). This variant has not been reported in the literature in individuals affected with GSN-related conditions. ClinVar contains an entry for this variant (Variation ID: 3604740). Invitae Evidence Modeling of protein sequence and biophysical properties (such as structural, functional, and spatial information, amino acid conservation, physicochemical variation, residue mobility, and thermodynamic stability) indicates that this missense variant is not expected to disrupt GSN protein function with a negative predictive value of 80%. In summary, the available evidence is currently insufficient to determine the role of this variant in disease. Therefore, it has been classified as a Variant of Uncertain Significance.